The following is an entry in ClinVar:

NM_001035.3(RYR2):c.5543C>T (p.Pro1848Leu)

Gene: RYR2 (ryanodine receptor 2; plus strand). Cytogenetic location: 1q43.
Variant type: single nucleotide variant.
Coding change: c.5543C>T on transcript NM_001035.3 (MANE Select); coding-DNA position 5543, C replaced by T.
Protein change: p.Pro1848Leu; replaces proline 1848 with leucine.
Molecular consequence: missense variant.
Genome position (GRCh38, 1-based): chr1:237,614,671, C>T. VCF-style: chr1-237614671-C-T. GRCh37 (hg19) VCF-style: chr1-237777971-C-T.
Other names: short protein forms P1848L.
Identifiers: ClinVar variation 43806 (VCV000043806.6), dbSNP rs397516543, ClinGen allele CA009869.

ClinVar aggregate classification (germline): Uncertain significance. Review status: criteria provided, multiple submitters, no conflicts (2 of 4 stars). 2 submissions from 2 submitters: Uncertain significance (2). Last evaluated 2023-12-18.

Conditions:
Catecholaminergic polymorphic ventricular tachycardia (CVPT). Also called: Catecholamine-induced polymorphic ventricular tachycardia. Identifiers: Orphanet 3286, MedGen C5574922, MONDO:0017990.

Submissions (2):

All of Us Research Program, National Institutes of Health
Classification: Uncertain significance for Catecholaminergic polymorphic ventricular tachycardia. Last evaluated: 2023-12-18. Review status: criteria provided, single submitter. Criteria: ACMG Guidelines, 2015. Collection method: clinical testing. Allele origin: germline. Inheritance: Autosomal dominant inheritance. Observed: 1 variant allele, 1 heterozygote.
Comment: This missense variant replaces proline with leucine at codon 1848 of the RYR2 protein. Computational prediction tool indicates that this variant may have deleterious impact on protein structure and function. To our knowledge, functional studies have not been reported for this variant. This variant has not been reported in individuals affected with RYR2-related disorders in the literature. This variant has not been identified in the general population by the Genome Aggregation Database (gnomAD). The available evidence is insufficient to determine the role of this variant in disease conclusively. Therefore, this variant is classified as a Variant of Uncertain Significance.

This study involves interpretation of variants in research participants for the purpose of population health screening. Participant phenotype was not available at the time of variant classification. Additional details can be found in publication PMID: 35346344, PMCID: PMC8962531

Laboratory for Molecular Medicine, Mass General Brigham Personalized Medicine
Classification: Uncertain significance. Last evaluated: 2012-09-21. Review status: criteria provided, single submitter. Criteria: LMM Criteria. Collection method: clinical testing. Allele origin: germline. Observed: 1 variant allele.
Comment: The Pro1848Leu variant in RYR2 has not been reported in the literature and has n ot been identified in large and broad European American and African American pop ulations by the NHLBI Exome Sequencing Project. This low frequency is consistent with a disease causing role but insufficient to establish this with confidence. Computational analyses (biochemical amino acid properties, conservation, AlignGVGD, PolyPhen2, and SIFT) suggest that the Pro1848Leu variant may impact the protein, though this information is not predic tive enough to determine pathogenicity. Additional studies are needed to fully a ssess its clinical significance.